The following is an entry in ClinVar:

ClinVar aggregate classification (germline): Likely benign (1 of 4 stars; one submission).

Conditions:
IFT74-related disorder. Also called: IFT74-Related Disorders; IFT74-related condition.

Submission:

PreventionGenetics, part of Exact Sciences
Classification: Likely benign for IFT74-related condition. Last evaluated: 2026-09-17. Review status: criteria provided, single submitter. Criteria: ACMG Guidelines, 2015. Collection method: clinical testing. Allele origin: germline.
Comment: This variant is classified as likely benign based on ACMG/AMP sequence variant interpretation guidelines (Richards et al. 2015 PMID: 25741868, with internal and published modifications).

NM_025103.4(IFT74):c.405-10A>T

Gene: IFT74 (intraflagellar transport 74; plus strand). Cytogenetic location: 9p21.2.
Variant type: single nucleotide variant.
Coding change: c.405-10A>T on transcript NM_025103.4 (MANE Select); 10 bases into the intron before coding-DNA position 405, A replaced by T.
Molecular consequence: intron variant.
Genome position (GRCh38, 1-based): chr9:26,984,489, A>T. VCF-style: chr9-26984489-A-T. GRCh37 (hg19) VCF-style: chr9-26984487-A-T.
Other names: c.405-10A>T (NM_001099223.3, NM_001099222.3, NM_001349928.2 and 1 more transcripts).
Identifiers: ClinVar variation 4994572 (VCV004994572.1).
Genomic context (GRCh38, chr9:26,984,489, plus strand): 5'-TTGTAATGTTCATTTTCTTATGTATATTTTTATGTACATATTTATGAATGTATTTATTTT[A>T]TGCTTTCAGGGCTGAGACTTTAGCTGTTGAGATAAAAGAGCTTCAAGGACAACTAGCAGA-3'